The following is an entry in ClinVar:

ClinVar aggregate classification (germline): Pathogenic. Review status: criteria provided, multiple submitters, no conflicts (2 of 4 stars). 2 submissions from 2 submitters: Pathogenic (2). Last evaluated 2026-05-29.

Conditions:
Rhabdoid tumor predisposition syndrome 1 (RTPS1). Also called: Familial Posterior Fossa Brain Tumor of Infancy. Identifiers: Orphanet 231108, Orphanet 69077, MedGen C1836327, MONDO:0012252, OMIM 609322.

Submissions (2):

Diller/Parad Lab, Dana-Farber/Harvard Cancer Center
Classification: Pathogenic for Rhabdoid tumor predisposition syndrome 1. Last evaluated: 2026-05-29. Review status: criteria provided, single submitter. Criteria: ACMG Guidelines, 2015. Collection method: research. Allele origin: germline. Affected: yes.
Comment: It has been classified as Pathogenic using Richards et al (PMID:25741868) based on the following evidence codes: PM2, PVS1, PP3.

Labcorp Genetics (formerly Invitae), Labcorp
Classification: Pathogenic. Last evaluated: 2020-01-14. Review status: criteria provided, single submitter. Criteria: Invitae Variant Classification Sherloc (09022015). Collection method: clinical testing. Allele origin: germline.
Comment: For these reasons, this variant has been classified as Pathogenic. This sequence change creates a premature translational stop signal (p.Trp51*) in the SMARCB1 gene. It is expected to result in an absent or disrupted protein product. This variant is not present in population databases (ExAC no frequency). This variant has not been reported in the literature in individuals with SMARCB1-related conditions. Loss-of-function variants in SMARCB1 are known to be pathogenic (PMID: 10521299, 21208904).

Literature cited by the submitters: PubMed 10521299 (cited by Labcorp Genetics (formerly Invitae), Labcorp); PubMed 21208904 (cited by Labcorp Genetics (formerly Invitae), Labcorp).

NM_003073.5(SMARCB1):c.153G>A (p.Trp51Ter)

Gene: SMARCB1 (SWI/SNF related BAF chromatin remodeling complex subunit B1; plus strand). Cytogenetic location: 22q11.23.
Variant type: single nucleotide variant.
Coding change: c.153G>A on transcript NM_003073.5 (MANE Select); coding-DNA position 153, G replaced by A.
Protein change: p.Trp51Ter; replaces tryptophan 51 with a stop codon.
Molecular consequence: nonsense.
Genome position (GRCh38, 1-based): chr22:23,791,815, G>A. VCF-style: chr22-23791815-G-A. GRCh37 (hg19) VCF-style: chr22-24134002-G-A.
Other names: c.153G>A, p.Trp51Ter (NM_001007468.3, NM_001317946.2, NM_001362877.2); short protein forms W51*.
Identifiers: ClinVar variation 1071772 (VCV001071772.8), dbSNP rs2145960213, ClinGen allele CA410932734.